The following is an entry in ClinVar:

ClinVar aggregate classification (germline): Uncertain significance. Review status: criteria provided, multiple submitters, no conflicts (2 of 4 stars). 2 submissions from 2 submitters: Uncertain significance (2). Last evaluated 2025-05-03.

Conditions:
Inborn genetic diseases. Identifiers: MedGen C0950123, MeSH D030342.
CHARGE syndrome (CHARGE). Also called: Hittner Hirsch Kreh syndrome; CHARGE ASSOCIATION--COLOBOMA, HEART ANOMALY, CHOANAL ATRESIA, RETARDATION, GENITAL AND EAR ANOMALIES; Coloboma, heart anomaly, choanal atresia, retardation, genital and ear anomalies; CHARGE association; Hall-Hittner syndrome. Identifiers: Orphanet 138, MedGen C0265354, MONDO:0008965.

Submissions (2):

Ambry Genetics
Classification: Uncertain significance for Inborn genetic diseases. Last evaluated: 2025-05-03. Review status: criteria provided, single submitter. Criteria: Ambry Variant Classification Scheme 2023. Collection method: clinical testing. Allele origin: germline.
Comment: The p.M1883V variant (also known as c.5647A>G), located in coding exon 27 of the CHD7 gene, results from an A to G substitution at nucleotide position 5647. The methionine at codon 1883 is replaced by valine, an amino acid with highly similar properties. This amino acid position is conserved. In addition, this alteration is predicted to be tolerated by in silico analysis. Based on the available evidence, the clinical significance of this variant remains unclear.

Labcorp Genetics (formerly Invitae), Labcorp
Classification: Uncertain significance for CHARGE syndrome. Last evaluated: 2024-10-05. Review status: criteria provided, single submitter. Criteria: Invitae Variant Classification Sherloc (09022015). Collection method: clinical testing. Allele origin: germline.
Comment: This sequence change replaces methionine, which is neutral and non-polar, with valine, which is neutral and non-polar, at codon 1883 of the CHD7 protein (p.Met1883Val). This variant is not present in population databases (gnomAD no frequency). This variant has not been reported in the literature in individuals affected with CHD7-related conditions. Invitae Evidence Modeling of protein sequence and biophysical properties (such as structural, functional, and spatial information, amino acid conservation, physicochemical variation, residue mobility, and thermodynamic stability) indicates that this missense variant is not expected to disrupt CHD7 protein function with a negative predictive value of 95%. In summary, the available evidence is currently insufficient to determine the role of this variant in disease. Therefore, it has been classified as a Variant of Uncertain Significance.

NM_017780.4(CHD7):c.5647A>G (p.Met1883Val)

Gene: CHD7 (chromodomain helicase DNA binding protein 7; plus strand). Cytogenetic location: 8q12.2.
Variant type: single nucleotide variant.
Coding change: c.5647A>G on transcript NM_017780.4 (MANE Select); coding-DNA position 5647, A replaced by G.
Protein change: p.Met1883Val; replaces methionine 1883 with valine.
Molecular consequence: missense variant. On other transcripts: intron variant (1).
Genome position (GRCh38, 1-based): chr8:60,851,301, A>G. VCF-style: chr8-60851301-A-G. GRCh37 (hg19) VCF-style: chr8-61763860-A-G.
Other names: c.5647A>G (NM_017780.3); c.1717-10928A>G (NM_001316690.1); short protein forms M1883V.
Identifiers: ClinVar variation 2864732 (VCV002864732.4), dbSNP rs2488023993, ClinGen allele CA371322214.